The following is an entry in ClinVar:

ClinVar aggregate classification (germline): Pathogenic. Review status: criteria provided, multiple submitters, no conflicts (2 of 4 stars). 8 submissions from 8 submitters: Pathogenic (6). 2 of the submissions do not count toward it. Last evaluated 2026-06-01.

Conditions:
Glycogen storage disease type III (GSD3). Also called: Cori disease; FORBES DISEASE. Identifiers: Orphanet 366, MedGen C0017922, MONDO:0009291, OMIM 232400.

Allele frequency attached by ClinVar (database versions not stated): gnomAD exomes 0.00001; ExAC 0.00001.
gnomAD v4.1: 4 of 1,613,364 alleles (0.00025%); highest among the groups gnomAD compares: African/African-American, 0.004%; no homozygotes.

Submissions (8):

CeGaT Center for Human Genetics Tuebingen
Classification: Pathogenic. Last evaluated: 2026-06-01. Review status: criteria provided, single submitter. Criteria: CeGaT Center For Human Genetics Tuebingen Variant Classification Criteria Version 2. Collection method: clinical testing. Allele origin: germline. Affected: yes. Observed: 1 variant allele.
Comment: AGL: PVS1, PM2, PM3

Labcorp Genetics (formerly Invitae), Labcorp
Classification: Pathogenic for Glycogen storage disease type III. Last evaluated: 2025-11-01. Review status: criteria provided, single submitter. Criteria: Invitae Variant Classification Sherloc (09022015). Collection method: clinical testing. Allele origin: germline.
Comment: This sequence change creates a premature translational stop signal (p.Arg910*) in the AGL gene. It is expected to result in an absent or disrupted protein product. Loss-of-function variants in AGL are known to be pathogenic (PMID: 19299494). This variant is present in population databases (rs773095419, gnomAD 0.01%). This premature translational stop signal has been observed in individual(s) with glycogen storage disease (PMID: 16705713). ClinVar contains an entry for this variant (Variation ID: 555290). For these reasons, this variant has been classified as Pathogenic.

Baylor Genetics
Classification: Pathogenic for Glycogen storage disease type III. Last evaluated: 2022-12-10. Review status: criteria provided, single submitter. Criteria: ACMG Guidelines, 2015. Collection method: clinical testing. Allele origin: unknown.

Fulgent Genetics
Classification: Pathogenic for Glycogen storage disease type III. Last evaluated: 2022-02-10. Review status: criteria provided, single submitter. Criteria: ACMG Guidelines, 2015. Collection method: clinical testing. Allele origin: unknown.

Genome-Nilou Lab
Classification: Pathogenic for Glycogen storage disease type III. Last evaluated: 2021-07-15. Review status: criteria provided, single submitter. Criteria: ACMG Guidelines, 2015. Collection method: clinical testing. Allele origin: germline. Affected: no.

Centre for Human Genetics
Classification: Pathogenic for Glycogen storage disease type III. Last evaluated: 2020-06-26. Review status: criteria provided, single submitter. Criteria: ACMG Guidelines, 2015. Collection method: clinical testing. Allele origin: inherited. Inheritance: Autosomal recessive inheritance. Affected: yes. Observed: 1 variant allele.
Comment: disease causing

Natera, Inc.
Classification: Pathogenic for Glycogen storage disease type III. Last evaluated: 2021-03-30. Review status: no assertion criteria provided. Collection method: clinical testing. Allele origin: germline. Not counted in ClinVar's aggregate classification.

Counsyl
Classification: Pathogenic for Glycogen storage disease type III. Last evaluated: 2017-11-27. Review status: no assertion criteria provided. Collection method: clinical testing. Allele origin: unknown. Not counted in ClinVar's aggregate classification.

Literature cited by the submitters: PubMed 19299494 (cited by Labcorp Genetics (formerly Invitae), Labcorp); PubMed 16705713 (cited by Labcorp Genetics (formerly Invitae), Labcorp and Counsyl); PubMed 26984562 (cited by Counsyl).

NM_000642.3(AGL):c.2728C>T (p.Arg910Ter)

Gene: AGL (amylo-alpha-1,6-glucosidase and 4-alpha-glucanotransferase; plus strand). Cytogenetic location: 1p21.2.
Variant type: single nucleotide variant.
Coding change: c.2728C>T on transcript NM_000642.3 (MANE Select); coding-DNA position 2728, C replaced by T.
Protein change: p.Arg910Ter; replaces arginine 910 with a stop codon.
Molecular consequence: nonsense.
Genome position (GRCh38, 1-based): chr1:99,888,024, C>T. VCF-style: chr1-99888024-C-T. GRCh37 (hg19) VCF-style: chr1-100353580-C-T.
Other names: c.2728C>T, p.Arg910Ter (NM_000028.3, NM_000643.3, NM_000644.3 and 2 more transcripts); c.2680C>T, p.Arg894Ter (NM_000646.3); c.2527C>T, p.Arg843Ter (NM_001425327.1); c.2524C>T, p.Arg842Ter (NM_001425328.1); c.2389C>T, p.Arg797Ter (NM_001425329.1); c.2350C>T, p.Arg784Ter (NM_001425332.1); short protein forms R910*, R894*, R784*, R797*, R842*, R843*.
Identifiers: ClinVar variation 555290 (VCV000555290.23), dbSNP rs773095419, ClinGen allele CA966879.
Genomic context (GRCh38, chr1:99,888,024, plus strand): 5'-TTTCCAATTCTTAGTCTTGCCTCCAGATTAACTTTGGCTGAGCTAAATCAGATCCTTTAC[C>T]GATGTGAATCAGAAGAAAAGGAAGATGGTGGAGGGTGCTATGACATACCAAACTGGTCAG-3'